The following is an entry in ClinVar:

ClinVar aggregate classification (germline): Uncertain significance. Review status: criteria provided, multiple submitters, no conflicts (2 of 4 stars). 3 submissions from 3 submitters: Uncertain significance (3). Last evaluated 2025-05-18.

Conditions:
Hereditary cancer-predisposing syndrome. Also called: Hereditary neoplastic syndrome; Neoplastic Syndromes, Hereditary; Tumor predisposition; Hereditary Cancer Syndrome. Identifiers: Orphanet 140162, MedGen C0027672, MeSH D009386, MONDO:0015356.
Familial cancer of breast. Also called: Hereditary breast cancer; BREAST CANCER, FAMILIAL; hereditary breast carcinoma. Identifiers: Orphanet 227535, MedGen C0346153, MONDO:0016419, OMIM 114480. Disease mechanism: loss of function.

Submissions (3):

Labcorp Genetics (formerly Invitae), Labcorp
Classification: Uncertain significance for Familial cancer of breast. Last evaluated: 2025-05-18. Review status: criteria provided, single submitter. Criteria: Invitae Variant Classification Sherloc (09022015). Collection method: clinical testing. Allele origin: germline.
Comment: This sequence change replaces aspartic acid, which is acidic and polar, with histidine, which is basic and polar, at codon 296 of the CHEK2 protein (p.Asp296His). This variant is not present in population databases (gnomAD no frequency). This variant has not been reported in the literature in individuals affected with CHEK2-related conditions. ClinVar contains an entry for this variant (Variation ID: 423401). An algorithm developed to predict the effect of missense changes on protein structure and function (PolyPhen-2) suggests that this variant is likely to be disruptive. Algorithms developed to predict the effect of sequence changes on RNA splicing suggest that this variant may disrupt the consensus splice site. In summary, the available evidence is currently insufficient to determine the role of this variant in disease. Therefore, it has been classified as a Variant of Uncertain Significance.

Ambry Genetics
Classification: Uncertain significance for Hereditary cancer-predisposing syndrome. Last evaluated: 2023-09-23. Review status: criteria provided, single submitter. Criteria: Ambry Variant Classification Scheme 2023. Collection method: clinical testing. Allele origin: germline.
Comment: The p.D296H variant (also known as c.886G>C), located in coding exon 7 of the CHEK2 gene, results from a G to C substitution at nucleotide position 886. The aspartic acid at codon 296 is replaced by histidine, an amino acid with similar properties. This amino acid position is conserved. In addition, this alteration is predicted to be deleterious by in silico analysis. Since supporting evidence is limited at this time, the clinical significance of this alteration remains unclear.

GeneDx
Classification: Uncertain significance. Last evaluated: 2017-02-06. Review status: criteria provided, single submitter. Criteria: GeneDx Variant Classification (06012015). Collection method: clinical testing. Allele origin: germline. Affected: yes.
Comment: This variant is denoted CHEK2 c.886G>C at the cDNA level, p.Asp296His (D296H) at the protein level, and results in the change of an Aspartic Acid to a Histidine (GAT>CAT). This variant has not, to our knowledge, been published in the literature as pathogenic or benign. CHEK2 Asp296His was not observed in approximately 6,500 individuals of European and African American ancestry in the NHLBI Exome Sequencing Project, suggesting it is not a common benign variant in these populations. Since Aspartic Acid and Histidine differ in polarity, charge, size or other properties, this is considered a non-conservative amino acid substitution. CHEK2 Asp296His occurs at a position that is conserved across species and is located in the protein kinase domain (Desrichard 2011, Roeb 2012, UniProt). In silico analyses predict that this variant is probably damaging to protein structure and function. Based on currently available evidence, it is unclear whether CHEK2 Asp296His is a pathogenic or benign variant. We consider it to be a variant of uncertain significance.

NM_007194.4(CHEK2):c.886G>C (p.Asp296His)

Gene: CHEK2 (checkpoint kinase 2; minus strand). Cytogenetic location: 22q12.1.
Variant type: single nucleotide variant.
Coding change: c.886G>C on transcript NM_007194.4 (MANE Select); coding-DNA position 886, G replaced by C.
Protein change: p.Asp296His; replaces aspartic acid 296 with histidine.
Molecular consequence: missense variant.
Genome position (GRCh38, 1-based): chr22:28,703,527, C>G on the plus strand (G>C on the coding strand, the complement: CHEK2 is on the minus strand). VCF-style: chr22-28703527-C-G. GRCh37 (hg19) VCF-style: chr22-29099515-C-G.
Other names: c.1015G>C, p.Asp339His (NM_001005735.3); c.223G>C, p.Asp75His (NM_001257387.3); c.685G>C, p.Asp229His (NM_001349956.3); c.886G>C, p.Asp296His (NM_145862.3); short protein forms D296H, D75H, D229H, D339H.
Identifiers: ClinVar variation 423401 (VCV000423401.9), dbSNP rs876659553, ClinGen allele CA16621066.